The following is an entry in ClinVar:

NM_001145308.5(LRTOMT):c.315G>A (p.Trp105Ter)

Genes: LRTOMT (leucine rich transmembrane and O-methyltransferase domain containing; plus strand), TOMT (transmembrane O-methyltransferase; plus strand). Cytogenetic location: 11q13.4.
Variant type: single nucleotide variant.
Coding change: c.315G>A on transcript NM_001145308.5; coding-DNA position 315, G replaced by A.
Protein change: p.Trp105Ter; replaces tryptophan 105 with a stop codon.
Molecular consequence: nonsense.
Genome position (GRCh38, 1-based): chr11:72,106,167, G>A. VCF-style: chr11-72106167-G-A. GRCh37 (hg19) VCF-style: chr11-71817213-G-A.
Other names: c.216G>A, p.Trp72Ter (NM_001393500.2); c.315G>A, p.Trp105Ter (NM_001145309.4); c.195G>A, p.Trp65Ter (NM_001145310.4); short protein forms W105*, W65*, W72*.
Identifiers: ClinVar variation 3601217 (VCV003601217.1).
Genomic context (GRCh38, chr11:72,106,167, plus strand): 5'-CGTGCTCACCCATGCCCTGCCCGGTGACCCTGGTCACATCCTCACCACCCTGGACCACTG[G>A]AGCAGCCGCTGCGAGTACTTGAGCCACATGGGGCCTGTCAAAGGTCAGTGTTCCCTAGCC-3'

ClinVar aggregate classification (germline): Pathogenic (1 of 4 stars; one submission).

Conditions:
Autosomal recessive nonsyndromic hearing loss 63. Identifiers: Orphanet 90636, MedGen C1969621, MONDO:0012670, OMIM 611451.

Submission:

Institute of Rare Diseases, West China Hospital, Sichuan University
Classification: Pathogenic for Autosomal recessive nonsyndromic hearing loss 63. Last evaluated: 2025-01-09. Review status: criteria provided, single submitter. Criteria: ClinGen HL ACMG Specifications v1. Collection method: research. Allele origin: germline. Affected: yes.
Comment: PVS1;PM3;PM2_Supporting